The following is an entry in ClinVar:

NM_001277115.2(DNAH11):c.10276A>G (p.Arg3426Gly)

Gene: DNAH11 (dynein axonemal heavy chain 11; plus strand). Cytogenetic location: 7p15.3.
Variant type: single nucleotide variant.
Coding change: c.10276A>G on transcript NM_001277115.2 (MANE Select); coding-DNA position 10276, A replaced by G.
Protein change: p.Arg3426Gly; replaces arginine 3426 with glycine.
Molecular consequence: missense variant.
Genome position (GRCh38, 1-based): chr7:21,807,993, A>G. VCF-style: chr7-21807993-A-G. GRCh37 (hg19) VCF-style: chr7-21847611-A-G.
Other names: short protein forms R3426G.
Identifiers: ClinVar variation 565438 (VCV000565438.9), dbSNP rs1562558499, ClinGen allele CA366946372.

ClinVar aggregate classification (germline): Uncertain significance (1 of 4 stars; one submission).

Conditions:
Primary ciliary dyskinesia. Also called: Ciliary dyskinesia. Identifiers: Orphanet 244, MedGen C0008780, MONDO:0016575, HP:0012265.

Submission:

Labcorp Genetics (formerly Invitae), Labcorp
Classification: Uncertain significance for Primary ciliary dyskinesia. Last evaluated: 2018-02-27. Review status: criteria provided, single submitter. Criteria: Invitae Variant Classification Sherloc (09022015). Collection method: clinical testing. Allele origin: germline.
Comment: This sequence change replaces arginine with glycine at codon 3426 of the DNAH11 protein (p.Arg3426Gly). The arginine residue is weakly conserved and there is a moderate physicochemical difference between arginine and glycine. In summary, the available evidence is currently insufficient to determine the role of this variant in disease. Therefore, it has been classified as a Variant of Uncertain Significance. Algorithms developed to predict the effect of sequence changes on RNA splicing suggest that this variant may create or strengthen a splice site, but this prediction has not been confirmed by published transcriptional studies. Algorithms developed to predict the effect of missense changes on protein structure and function do not agree on the potential impact of this missense change (SIFT: "Deleterious"; PolyPhen-2: "Benign"; Align-GVGD: "Class C15"). This variant has not been reported in the literature in individuals with DNAH11-related disease. This variant is not present in population databases (ExAC no frequency).